The following is an entry in ClinVar:

ClinVar aggregate classification (germline): Uncertain significance (1 of 4 stars; one submission).

Allele frequency attached by ClinVar (database versions not stated): gnomAD exomes below 0.00001; ExAC 0.00002.
gnomAD v4.1: 6 of 1,606,324 alleles (0.00037%); highest among the groups gnomAD compares: Non-Finnish European, 0.00043%; no homozygotes.

Submission:

Labcorp Genetics (formerly Invitae), Labcorp
Classification: Uncertain significance. Last evaluated: 2022-01-15. Review status: criteria provided, single submitter. Criteria: Invitae Variant Classification Sherloc (09022015). Collection method: clinical testing. Allele origin: germline.
Comment: This sequence change replaces valine, which is neutral and non-polar, with isoleucine, which is neutral and non-polar, at codon 225 of the PPP1R12A protein (p.Val225Ile). The frequency data for this variant in the population databases is considered unreliable, as metrics indicate poor data quality at this position in the gnomAD database. This variant has not been reported in the literature in individuals affected with PPP1R12A-related conditions. Algorithms developed to predict the effect of missense changes on protein structure and function are either unavailable or do not agree on the potential impact of this missense change (SIFT: "Deleterious"; PolyPhen-2: "Probably Damaging"; Align-GVGD: "Class C0"). In summary, the available evidence is currently insufficient to determine the role of this variant in disease. Therefore, it has been classified as a Variant of Uncertain Significance.

NM_002480.3(PPP1R12A):c.673G>A (p.Val225Ile)

Gene: PPP1R12A (protein phosphatase 1 regulatory subunit 12A; minus strand). Cytogenetic location: 12q21.2.
Variant type: single nucleotide variant.
Coding change: c.673G>A on transcript NM_002480.3 (MANE Select); coding-DNA position 673, G replaced by A.
Protein change: p.Val225Ile; replaces valine 225 with isoleucine.
Molecular consequence: missense variant.
Genome position (GRCh38, 1-based): chr12:79,828,439, C>T on the plus strand (G>A on the coding strand, the complement: PPP1R12A is on the minus strand). VCF-style: chr12-79828439-C-T. GRCh37 (hg19) VCF-style: chr12-80222219-C-T.
Other names: c.673G>A, p.Val225Ile (NM_001143885.2, NM_001244990.2, NM_001244992.1); c.412G>A, p.Val138Ile (NM_001143886.2); short protein forms V138I, V225I.
Identifiers: ClinVar variation 2084007 (VCV002084007.1), dbSNP rs746798118, ClinGen allele CA6699859.